The following is an entry in ClinVar:

ClinVar aggregate classification (germline): Uncertain significance (1 of 4 stars; one submission).

Submission:

Labcorp Genetics (formerly Invitae), Labcorp
Classification: Uncertain significance. Last evaluated: 2021-01-19. Review status: criteria provided, single submitter. Criteria: Invitae Variant Classification Sherloc (09022015). Collection method: clinical testing. Allele origin: germline.
Comment: Algorithms developed to predict the effect of missense changes on protein structure and function are either unavailable or do not agree on the potential impact of this missense change (SIFT: "Deleterious"; PolyPhen-2: "Benign"; Align-GVGD: "Class C0"). This sequence change replaces alanine with glycine at codon 136 of the MTHFD1 protein (p.Ala136Gly). The alanine residue is highly conserved and there is a small physicochemical difference between alanine and glycine. This variant is not present in population databases (ExAC no frequency). This variant has not been reported in the literature in individuals with MTHFD1-related conditions. In summary, the available evidence is currently insufficient to determine the role of this variant in disease. Therefore, it has been classified as a Variant of Uncertain Significance.

NM_005956.4(MTHFD1):c.407C>G (p.Ala136Gly)

Gene: MTHFD1 (methylenetetrahydrofolate dehydrogenase, cyclohydrolase and formyltetrahydrofolate synthetase 1; plus strand). Cytogenetic location: 14q23.3.
Variant type: single nucleotide variant.
Coding change: c.407C>G on transcript NM_005956.4 (MANE Select); coding-DNA position 407, C replaced by G.
Protein change: p.Ala136Gly; replaces alanine 136 with glycine.
Molecular consequence: missense variant.
Genome position (GRCh38, 1-based): chr14:64,415,668, C>G. VCF-style: chr14-64415668-C-G. GRCh37 (hg19) VCF-style: chr14-64882386-C-G.
Other names: c.407C>G, p.Ala136Gly (NM_001364837.1); short protein forms A136G.
Identifiers: ClinVar variation 1365808 (VCV001365808.8), dbSNP rs2078020338, ClinGen allele CA389973900.
Genomic context (GRCh38, chr14:64,415,668, plus strand): 5'-ATTTCCTTCTTATTTCCATCACTTTTTTAAGATTGACTAGCATCAATGCTGGGAAACTTG[C>G]TAGAGGTGACCTCAATGACTGTTTCATTCCTTGTACGCCTAAGGGATGCTTGGAACTCAT-3'
Protein context (NP_005947.3, residues 126-146): GLTSINAGKL[Ala136Gly]RGDLNDCFIP